The following is an entry in ClinVar:

ClinVar aggregate classification (germline): Uncertain significance (1 of 4 stars; one submission).

Submission:

GeneDx
Classification: Uncertain significance. Last evaluated: 2026-03-10. Review status: criteria provided, single submitter. Criteria: GeneDx Variant Classification Process June 2021. Collection method: clinical testing. Allele origin: germline.
Comment: Not observed at significant frequency in large population cohorts (gnomAD); In silico analysis supports that this missense variant has a deleterious effect on protein structure/function; Has not been previously published as pathogenic or benign to our knowledge

NM_001349253.2(SCN11A):c.1059C>G (p.Phe353Leu)

Gene: SCN11A (sodium voltage-gated channel alpha subunit 11; minus strand). Cytogenetic location: 3p22.2.
Variant type: single nucleotide variant.
Coding change: c.1059C>G on transcript NM_001349253.2 (MANE Select); coding-DNA position 1059, C replaced by G.
Protein change: p.Phe353Leu; replaces phenylalanine 353 with leucine.
Molecular consequence: missense variant.
Genome position (GRCh38, 1-based): chr3:38,910,108, G>C on the plus strand (C>G on the coding strand, the complement: SCN11A is on the minus strand). VCF-style: chr3-38910108-G-C. GRCh37 (hg19) VCF-style: chr3-38951599-G-C.
Other names: c.1059C>G, p.Phe353Leu (NM_014139.3); short protein forms F353L.
Identifiers: ClinVar variation 5008210 (VCV005008210.1).